The following is an entry in ClinVar:

NM_001374736.1(DST):c.18061C>T (p.Arg6021Ter)

Gene: DST (dystonin; minus strand). Cytogenetic location: 6p12.1.
Variant type: single nucleotide variant.
Coding change: c.18061C>T on transcript NM_001374736.1 (MANE Select); coding-DNA position 18061, C replaced by T.
Protein change: p.Arg6021Ter; replaces arginine 6021 with a stop codon.
Molecular consequence: nonsense.
Genome position (GRCh38, 1-based): chr6:56,526,429, G>A on the plus strand (C>T on the coding strand, the complement: DST is on the minus strand). VCF-style: chr6-56526429-G-A. GRCh37 (hg19) VCF-style: chr6-56391227-G-A.
Other names: c.11704C>T, p.Arg3902Ter (NM_001144769.5); c.11290C>T, p.Arg3764Ter (NM_001144770.2); c.18061C>T, p.Arg6021Ter (NM_001374722.1); c.17101C>T, p.Arg5701Ter (NM_001374729.1); c.10843C>T, p.Arg3615Ter (NM_001374730.1); c.18088C>T, p.Arg6030Ter (NM_001374734.1); c.11170C>T, p.Arg3724Ter (NM_001386100.1, NM_183380.4); c.10192C>T, p.Arg3398Ter (NM_015548.5); short protein forms R3764*, R3902*, R5701*, R3398*, R6030*, R3615*, R3724*, R6021*.
Identifiers: ClinVar variation 1454567 (VCV001454567.6), dbSNP rs777347824, ClinGen allele CA139188315.
Genomic context (GRCh38, chr6:56,526,429, plus strand): 5'-ATCGCAGAATGGCTGCATCGATCTCCTCCACCTTCTGAGTGATGGTGTCGCTCACTAATC[G>A]GTAGCGCTCATTGTCCTCAGCTACCATTTTCTCAAGTCCTTCTCTTGCCCTCCATGGTAC-3'

ClinVar aggregate classification (germline): Pathogenic (1 of 4 stars; one submission).

Conditions:
Epidermolysis bullosa simplex 3, localized or generalized intermediate, with BP230 deficiency (EBS3). Also called: Epidermolysis bullosa simplex, autosomal recessive 2; Epidermolysis bullosa simplex due to BP230 deficiency. Identifiers: Orphanet 412181, MedGen C3809470, MONDO:0014180, OMIM 615425.
Hereditary sensory and autonomic neuropathy type 6. Also called: Neuropathy, hereditary sensory and autonomic, type VI; HSAN VI. Identifiers: Orphanet 314381, MedGen C3539003, MONDO:0013839, OMIM 614653.

gnomAD v4.1: 1 of 1,613,778 alleles (0.000062%); no homozygotes.

Submission:

Labcorp Genetics (formerly Invitae), Labcorp
Classification: Pathogenic for Epidermolysis bullosa simplex 3, localized or generalized intermediate, with BP230 deficiency; Hereditary sensory and autonomic neuropathy type 6. Last evaluated: 2021-10-09. Review status: criteria provided, single submitter. Criteria: Invitae Variant Classification Sherloc (09022015). Collection method: clinical testing. Allele origin: germline.
Comment: This sequence change creates a premature translational stop signal (p.Arg3398*) in the DST gene. The DST gene has multiple clinically relevant transcripts. This variant occurs in alternate transcript NM_015548.4, and corresponds to NM_001723.5:c.*89088C>T in the primary transcript. It is expected to result in an absent or disrupted protein product. Loss-of-function variants in DST are known to be pathogenic (PMID: 22522446, 25059916, 30371979). This variant is not present in population databases (ExAC no frequency). For these reasons, this variant has been classified as Pathogenic. This variant has not been reported in the literature in individuals affected with DST-related conditions.

Literature cited by the submitters: PubMed 22522446; PubMed 25059916; PubMed 30371979.